The following is an entry in ClinVar:

ClinVar aggregate classification (germline): Conflicting classifications of pathogenicity. Review status: criteria provided, conflicting classifications (1 of 4 stars). 2 submissions from 2 submitters: Uncertain significance (1); Likely benign (1). Last evaluated 2023-12-19.

Conditions:
Charcot-Marie-Tooth disease type 2. Also called: Charcot-Marie-Tooth type 2. Identifiers: Orphanet 64746, MedGen C0270914, MONDO:0018993.

Allele frequency attached by ClinVar (database versions not stated): gnomAD 0.00001; ExAC 0.00002.
gnomAD v4.1: 7 of 1,613,876 alleles (0.00043%); highest among the groups gnomAD compares: South Asian, 0.0077%; no homozygotes.

Submissions (2):

GeneDx
Classification: Uncertain significance. Last evaluated: 2023-12-19. Review status: criteria provided, single submitter. Criteria: GeneDx Variant Classification Process June 2021. Collection method: clinical testing. Allele origin: germline. Affected: yes.
Comment: Not observed at significant frequency in large population cohorts (gnomAD); In silico analysis supports that this variant does not alter splicing; Has not been previously published as pathogenic or benign to our knowledge

Labcorp Genetics (formerly Invitae), Labcorp
Classification: Likely benign for Charcot-Marie-Tooth disease type 2. Last evaluated: 2023-10-19. Review status: criteria provided, single submitter. Criteria: Invitae Variant Classification Sherloc (09022015). Collection method: clinical testing. Allele origin: germline.

NM_170707.4(LMNA):c.409C>T (p.Leu137=)

Genes: LMNA (lamin A/C; plus strand), LOC126805877 (MED14-independent group 3 enhancer GRCh37_chr1:156099693-156100892; plus strand). Cytogenetic location: 1q22.
Variant type: single nucleotide variant.
Coding change: c.409C>T on transcript NM_170707.4 (MANE Select); coding-DNA position 409, C replaced by T.
Protein change: p.Leu137=; no amino-acid change (leucine 137 retained).
Molecular consequence: synonymous variant. On other transcripts: 5 prime UTR variant (7), intron variant (4).
Genome position (GRCh38, 1-based): chr1:156,130,669, C>T. VCF-style: chr1-156130669-C-T. GRCh37 (hg19) VCF-style: chr1-156100460-C-T.
Other names: c.73C>T, p.Leu25= (NM_001257374.3, NM_001406989.1, NM_001406998.1); c.166C>T, p.Leu56= (NM_001282624.2, NM_001406986.1, NM_001406987.1); c.409C>T, p.Leu137= (NM_001282625.2, NM_001282626.2, NM_001406983.1 and 6 more transcripts); c.112C>T, p.Leu38= (NM_001406988.1); c.-150C>T (NM_001406993.1, NM_001406996.1, NM_001406997.1 and 1 more transcripts); c.-256C>T (NM_001406994.1, NM_001406999.1, NM_001407000.1); c.-45-3734C>T (NM_001407002.1, NM_001406995.1, NM_001406990.1); c.-151-3734C>T (NM_001407001.1).
Identifiers: ClinVar variation 2819882 (VCV002819882.4), dbSNP rs747998566, ClinGen allele CA053365.
Genomic context (GRCh38, chr1:156,130,669, plus strand): 5'-TTCTTTAGCAATACCAAGAAGGAGGGTGACCTGATAGCTGCTCAGGCTCGGCTGAAGGAC[C>T]TGGAGGCTCTGCTGAACTCCAAGGAGGCCGCACTGAGCACTGCTCTCAGTGAGAAGCGCA-3'
Protein context (NP_733821.1, residues 127-147): LIAAQARLKD[Leu137=]EALLNSKEAA